The following is an entry in ClinVar:

NM_021814.5(ELOVL5):c.149C>A (p.Pro50Gln)

Gene: ELOVL5 (ELOVL fatty acid elongase 5; minus strand). Cytogenetic location: 6p12.1.
Variant type: single nucleotide variant.
Coding change: c.149C>A on transcript NM_021814.5 (MANE Select); coding-DNA position 149, C replaced by A.
Protein change: p.Pro50Gln; replaces proline 50 with glutamine.
Molecular consequence: missense variant.
Genome position (GRCh38, 1-based): chr6:53,291,873, G>T on the plus strand (C>A on the coding strand, the complement: ELOVL5 is on the minus strand). VCF-style: chr6-53291873-G-T. GRCh37 (hg19) VCF-style: chr6-53156671-G-T.
Other names: c.149C>A, p.Pro50Gln (NM_001242828.2, NM_001242830.2, NM_001301856.2); c.149C>A (NM_001242828.1); short protein forms P50Q.
Identifiers: ClinVar variation 2144794 (VCV002144794.5), dbSNP rs754676551, ClinGen allele CA3859816.
Genomic context (GRCh38, chr6:53,291,873, plus strand): 5'-AGGTTATACACCACTAAAATCCCCCGGCAAGAGAATGGCTGTTTATTCCTCATGTATTTT[G>T]GTCCCAGCCATACAATTAGTAAATATATGACAGAGCAGATAAATGTGGGTATATAATTGT-3'
Protein context (NP_068586.1, residues 40-60): VIYLLIVWLG[Pro50Gln]KYMRNKQPFS

ClinVar aggregate classification (germline): Uncertain significance. Review status: criteria provided, multiple submitters, no conflicts (2 of 4 stars). 2 submissions from 2 submitters: Uncertain significance (2). Last evaluated 2025-01-27.

Conditions:
Inborn genetic diseases. Identifiers: MedGen C0950123, MeSH D030342.

Allele frequency attached by ClinVar (database versions not stated): ExAC 0.00002; gnomAD 0.00003; gnomAD exomes 0.00003; TOPMed 0.00004.

Submissions (2):

Labcorp Genetics (formerly Invitae), Labcorp
Classification: Uncertain significance. Last evaluated: 2025-01-27. Review status: criteria provided, single submitter. Criteria: Invitae Variant Classification Sherloc (09022015). Collection method: clinical testing. Allele origin: germline.
Comment: This sequence change replaces proline, which is neutral and non-polar, with glutamine, which is neutral and polar, at codon 50 of the ELOVL5 protein (p.Pro50Gln). This variant is present in population databases (rs754676551, gnomAD 0.04%), and has an allele count higher than expected for a pathogenic variant. This variant has not been reported in the literature in individuals affected with ELOVL5-related conditions. ClinVar contains an entry for this variant (Variation ID: 2144794). Invitae Evidence Modeling of protein sequence and biophysical properties (such as structural, functional, and spatial information, amino acid conservation, physicochemical variation, residue mobility, and thermodynamic stability) indicates that this missense variant is not expected to disrupt ELOVL5 protein function with a negative predictive value of 80%. In summary, the available evidence is currently insufficient to determine the role of this variant in disease. Therefore, it has been classified as a Variant of Uncertain Significance.

Ambry Genetics
Classification: Uncertain significance for Inborn genetic diseases. Last evaluated: 2024-09-11. Review status: criteria provided, single submitter. Criteria: Ambry Variant Classification Scheme 2023. Collection method: clinical testing. Allele origin: germline.